The following is an entry in ClinVar:

NM_001042492.3(NF1):c.5908dup (p.Arg1970fs)

Gene: NF1 (neurofibromin 1; plus strand). Cytogenetic location: 17q11.2.
Variant type: Duplication.
Coding change: c.5908dup on transcript NM_001042492.3 (MANE Select); coding-DNA position 5908, one base duplicated (A; older notation c.5908dupA).
Protein change: p.Arg1970fs; shifts the reading frame from arginine 1970.
Molecular consequence: frameshift variant.
Genome position (GRCh38, 1-based): chr17:31,334,933, A duplicated; the last of 3 consecutive A bases (chr17:31,334,931-31,334,933); duplicating any one gives the same sequence. VCF-style (leftmost placement, unchanged base first): chr17-31334930-C-CA. GRCh37 (hg19) VCF-style: chr17-29661948-C-CA.
Other names: c.5845dup, p.Arg1949Lysfs (NM_000267.4); short protein forms R1970fs, R1949fs.
Identifiers: ClinVar variation 2736564 (VCV002736564.6), dbSNP rs863224835, ClinGen allele CA2573119307.

ClinVar aggregate classification (germline): Pathogenic. Review status: criteria provided, multiple submitters, no conflicts (2 of 4 stars). 3 submissions from 3 submitters: Pathogenic (3). Last evaluated 2025-05-08.

Conditions:
Neurofibromatosis, type 1 (NF1). Also called: Neurofibromatosis, type I; Peripheral type neurofibromatosis; VON RECKLINGHAUSEN DISEASE; NEUROFIBROMATOSIS, TYPE I, SOMATIC. Identifiers: Orphanet 636, MedGen C0027831, MONDO:0018975, OMIM 162200. Disease mechanism: loss of function.
Juvenile myelomonocytic leukemia (JMML). Also called: LEUKEMIA, JUVENILE MYELOMONOCYTIC, SOMATIC. Identifiers: Orphanet 86834, MedGen C0349639, MONDO:0011908, OMIM 607785, HP:0012209.
Neurofibromatosis-Noonan syndrome (NFNS). Also called: NEUROFIBROMATOSIS WITH NOONAN PHENOTYPE. Identifiers: Orphanet 638, MedGen C2931482, MONDO:0011035, OMIM 601321. Disease mechanism: loss of function.
Neurofibromatosis, familial spinal (FSNF). Identifiers: Orphanet 636, MedGen C1834235, MONDO:0008078, OMIM 162210. Disease mechanism: loss of function.
Café-au-lait macules with pulmonary stenosis (WTSN). Also called: PULMONIC STENOSIS WITH CAFE-AU-LAIT SPOTS. Identifiers: MedGen C0553586, MONDO:0008672, OMIM 193520.

Submissions (3):

GeneDx
Classification: Pathogenic. Last evaluated: 2025-05-08. Review status: criteria provided, single submitter. Criteria: GeneDx Variant Classification Process June 2021. Collection method: clinical testing. Allele origin: germline. Affected: yes.
Comment: Frameshift variant predicted to result in protein truncation or nonsense mediated decay in a gene for which loss of function is a known mechanism of disease; Not observed at significant frequency in large population cohorts (gnomAD); This variant is associated with the following publications: (PMID: 7542886)

Labcorp Genetics (formerly Invitae), Labcorp
Classification: Pathogenic for Neurofibromatosis, type 1. Last evaluated: 2023-01-29. Review status: criteria provided, single submitter. Criteria: Invitae Variant Classification Sherloc (09022015). Collection method: clinical testing. Allele origin: germline.
Comment: This sequence change creates a premature translational stop signal (p.Arg1949Lysfs*7) in the NF1 gene. It is expected to result in an absent or disrupted protein product. Loss-of-function variants in NF1 are known to be pathogenic (PMID: 10712197, 23913538). This variant is not present in population databases (gnomAD no frequency). This premature translational stop signal has been observed in individual(s) with neurofibromatosis type 1 (PMID: 7542886). For these reasons, this variant has been classified as Pathogenic.

Juno Genomics, Hangzhou Juno Genomics, Inc
Classification: Pathogenic for Juvenile myelomonocytic leukemia; Neurofibromatosis, familial spinal; Neurofibromatosis, type 1; Neurofibromatosis-Noonan syndrome; Café-au-lait macules with pulmonary stenosis. Review status: criteria provided, single submitter. Criteria: ACMG Guidelines, 2015. Collection method: clinical testing. Allele origin: germline. Affected: yes.
Comment: Null variant in a gene where loss of function (LOF) is a known mechanism of disease.;Absent from controls (or at extremely low frequency if recessive) in Genome Aggregation Database, Exome Sequencing Project, 1000 Genomes Project, or Exome Aggregation Consortium.;Patient's phenotype or family history is highly specific for a disease with a single genetic etiology.;The prevalence of the variant in affected individuals is significantly increased compared to the prevalence in controls.;Assumed de novo, but without confirmation of paternity and maternity.

Literature cited by the submitters: PubMed 10712197 (cited by Labcorp Genetics (formerly Invitae), Labcorp); PubMed 23913538 (cited by Labcorp Genetics (formerly Invitae), Labcorp); PubMed 7542886 (cited by Labcorp Genetics (formerly Invitae), Labcorp).